The following is an entry in ClinVar:

ClinVar aggregate classification (germline): Uncertain significance. Review status: criteria provided, multiple submitters, no conflicts (2 of 4 stars). 4 submissions from 4 submitters: Uncertain significance (3). 1 of the submissions does not count toward it. Last evaluated 2024-05-02.

Conditions:
Inborn genetic diseases. Identifiers: MedGen C0950123, MeSH D030342.
Charcot-Marie-Tooth disease type 4. Also called: Charcot-Marie-Tooth disease, type IV; Charcot-Marie-Tooth, Type 4. Identifiers: Orphanet 64749, MedGen C4082197, MONDO:0018995.

Allele frequency attached by ClinVar (database versions not stated): gnomAD exomes 0.00002; ExAC 0.00003; TOPMed 0.00005; gnomAD 0.00006 and 0.00007.
gnomAD v4.1: 34 of 1,614,020 alleles (0.0021%); highest among the groups gnomAD compares: African/African-American, 0.015%; no homozygotes.

Submissions (4):

GeneDx
Classification: Uncertain significance. Last evaluated: 2024-05-02. Review status: criteria provided, single submitter. Criteria: GeneDx Variant Classification Process June 2021. Collection method: clinical testing. Allele origin: germline. Affected: yes.
Comment: Not observed at significant frequency in large population cohorts (gnomAD); In silico analysis supports that this missense variant has a deleterious effect on protein structure/function; Has not been previously published as pathogenic or benign to our knowledge

Ambry Genetics
Classification: Uncertain significance for Inborn genetic diseases. Last evaluated: 2023-12-11. Review status: criteria provided, single submitter. Criteria: Ambry Variant Classification Scheme 2023. Collection method: clinical testing. Allele origin: germline.

Labcorp Genetics (formerly Invitae), Labcorp
Classification: Uncertain significance for Charcot-Marie-Tooth disease type 4. Last evaluated: 2022-08-23. Review status: criteria provided, single submitter. Criteria: Invitae Variant Classification Sherloc (09022015). Collection method: clinical testing. Allele origin: germline.
Comment: This sequence change replaces arginine, which is basic and polar, with histidine, which is basic and polar, at codon 235 of the NDRG1 protein (p.Arg235His). This variant is present in population databases (rs748331213, gnomAD 0.01%). This variant has not been reported in the literature in individuals affected with NDRG1-related conditions. ClinVar contains an entry for this variant (Variation ID: 451969). Algorithms developed to predict the effect of missense changes on protein structure and function are either unavailable or do not agree on the potential impact of this missense change (SIFT: "Tolerated"; PolyPhen-2: "Probably Damaging"; Align-GVGD: "Class C0"). In summary, the available evidence is currently insufficient to determine the role of this variant in disease. Therefore, it has been classified as a Variant of Uncertain Significance.

Natera, Inc.
Classification: Uncertain significance for Charcot-Marie-Tooth disease type 4. Last evaluated: 2020-10-20. Review status: no assertion criteria provided. Collection method: clinical testing. Allele origin: germline. Not counted in ClinVar's aggregate classification.

NM_006096.4(NDRG1):c.704G>A (p.Arg235His)

Genes: NDRG1 (N-myc downstream regulated 1; minus strand), LOC126860531 (CDK7 strongly-dependent group 2 enhancer GRCh37_chr8:134259869-134261068; plus strand). Cytogenetic location: 8q24.22.
Variant type: single nucleotide variant.
Coding change: c.704G>A on transcript NM_006096.4 (MANE Select); coding-DNA position 704, G replaced by A.
Protein change: p.Arg235His; replaces arginine 235 with histidine.
Molecular consequence: missense variant.
Genome position (GRCh38, 1-based): chr8:133,248,766, C>T on the plus strand (G>A on the coding strand, the complement: NDRG1 is on the minus strand). VCF-style: chr8-133248766-C-T. GRCh37 (hg19) VCF-style: chr8-134261009-C-T.
Other names: c.704G>A, p.Arg235His (NM_001135242.2, NM_001374845.1, NM_001374846.1); c.506G>A, p.Arg169His (NM_001258432.2, NM_001374847.1); c.461G>A, p.Arg154His (NM_001258433.2); c.755G>A, p.Arg252His (NM_001374844.1); short protein forms R235H, R154H, R169H, R252H.
Identifiers: ClinVar variation 451969 (VCV000451969.10), dbSNP rs748331213, ClinGen allele CA4886625.